The following is an entry in ClinVar:

NM_015374.3(SUN2):c.1510G>C (p.Ala504Pro)

Genes: GTPBP1 (GTP binding protein 1; plus strand), SUN2 (Sad1 and UNC84 domain containing 2; minus strand). Cytogenetic location: 22q13.1.
Variant type: single nucleotide variant.
Coding change: c.1510G>C on transcript NM_015374.3 (MANE Select); coding-DNA position 1510, G replaced by C.
Protein change: p.Ala504Pro; replaces alanine 504 with proline.
Molecular consequence: missense variant.
Genome position (GRCh38, 1-based): chr22:38,739,790, C>G on the plus strand (G>C on the coding strand, the complement: SUN2 is on the minus strand). VCF-style: chr22-38739790-C-G. GRCh37 (hg19) VCF-style: chr22-39135795-C-G.
Other names: c.1510G>C, p.Ala504Pro (NM_001394435.1, NM_001394436.1, NM_001394437.1 and 5 more transcripts); c.1420G>C, p.Ala474Pro (NM_001394438.1); c.1372G>C, p.Ala458Pro (NM_001394439.1, NM_001394440.1, NM_001394441.1); c.1111G>C, p.Ala371Pro (NM_001394442.1); c.1018G>C, p.Ala340Pro (NM_001394443.1); c.934G>C, p.Ala312Pro (NM_001394444.1, NM_001394445.1); c.1573G>C, p.Ala525Pro (NM_001199579.2, NM_001394428.1); c.1603G>C, p.Ala535Pro (NM_001394427.1); and 1 more; short protein forms A312P, A340P, A474P, A504P, A519P, A535P, A371P, A458P.
Identifiers: ClinVar variation 2052835 (VCV002052835.4), dbSNP rs2517979131, ClinGen allele CA411584153.

ClinVar aggregate classification (germline): Uncertain significance (1 of 4 stars; one submission).

Conditions:
Emery-Dreifuss muscular dystrophy (EDMD). Also called: Scapuloperoneal syndrome, X-linked (formerly); Humeroperoneal neuromuscular disease, (formerly). Identifiers: Orphanet 261, MedGen C0410189, MONDO:0016830.

Submission:

Labcorp Genetics (formerly Invitae), Labcorp
Classification: Uncertain significance for Emery-Dreifuss muscular dystrophy. Last evaluated: 2021-12-22. Review status: criteria provided, single submitter. Criteria: Invitae Variant Classification Sherloc (09022015). Collection method: clinical testing. Allele origin: germline.
Comment: This sequence change replaces alanine, which is neutral and non-polar, with proline, which is neutral and non-polar, at codon 504 of the SUN2 protein (p.Ala504Pro). This variant is not present in population databases (gnomAD no frequency). This variant has not been reported in the literature in individuals affected with SUN2-related conditions. Algorithms developed to predict the effect of missense changes on protein structure and function are either unavailable or do not agree on the potential impact of this missense change (SIFT: "Tolerated"; PolyPhen-2: "Possibly Damaging"; Align-GVGD: "Class C0"). In summary, the available evidence is currently insufficient to determine the role of this variant in disease. Therefore, it has been classified as a Variant of Uncertain Significance.